The following is an entry in ClinVar:

ClinVar aggregate classification (germline): Uncertain significance. Review status: criteria provided, multiple submitters, no conflicts (2 of 4 stars). 2 submissions from 2 submitters: Uncertain significance (2). Last evaluated 2024-11-09.

Conditions:
Hereditary cancer-predisposing syndrome. Also called: Neoplastic Syndromes, Hereditary; Tumor predisposition; Hereditary neoplastic syndrome; Hereditary Cancer Syndrome. Identifiers: Orphanet 140162, MedGen C0027672, MeSH D009386, MONDO:0015356.
POLD1-related polyposis and colorectal cancer syndrome (CRCS10). Also called: COLORECTAL CANCER, SUSCEPTIBILITY TO, ON CHROMOSOME 19q; Colorectal cancer 10; Colorectal cancer, susceptibility to, 10. Identifiers: Orphanet 220460, MedGen C2675481, MONDO:0012953, OMIM 612591.

Submissions (2):

Labcorp Genetics (formerly Invitae), Labcorp
Classification: Uncertain significance for POLD1-related polyposis and colorectal cancer syndrome. Last evaluated: 2024-11-09. Review status: criteria provided, single submitter. Criteria: Invitae Variant Classification Sherloc (09022015). Collection method: clinical testing. Allele origin: germline.
Comment: This sequence change replaces valine, which is neutral and non-polar, with alanine, which is neutral and non-polar, at codon 982 of the POLD1 protein (p.Val982Ala). This variant is not present in population databases (gnomAD no frequency). This variant has not been reported in the literature in individuals affected with POLD1-related conditions. ClinVar contains an entry for this variant (Variation ID: 1719655). Invitae Evidence Modeling of protein sequence and biophysical properties (such as structural, functional, and spatial information, amino acid conservation, physicochemical variation, residue mobility, and thermodynamic stability) indicates that this missense variant is not expected to disrupt POLD1 protein function with a negative predictive value of 80%. In summary, the available evidence is currently insufficient to determine the role of this variant in disease. Therefore, it has been classified as a Variant of Uncertain Significance.

Ambry Genetics
Classification: Uncertain significance for Hereditary cancer-predisposing syndrome. Last evaluated: 2023-04-23. Review status: criteria provided, single submitter. Criteria: Ambry Variant Classification Scheme 2023. Collection method: clinical testing. Allele origin: germline.
Comment: The p.V982A variant (also known as c.2945T>C), located in coding exon 22 of the POLD1 gene, results from a T to C substitution at nucleotide position 2945. The valine at codon 982 is replaced by alanine, an amino acid with similar properties. This amino acid position is conserved. In addition, this alteration is predicted to be tolerated by in silico analysis. Since supporting evidence is limited at this time, the clinical significance of this alteration remains unclear.

NM_002691.4(POLD1):c.2945T>C (p.Val982Ala)

Gene: POLD1 (DNA polymerase delta 1, catalytic subunit; plus strand). Cytogenetic location: 19q13.33.
Variant type: single nucleotide variant.
Coding change: c.2945T>C on transcript NM_002691.4 (MANE Select); coding-DNA position 2945, T replaced by C.
Protein change: p.Val982Ala; replaces valine 982 with alanine.
Molecular consequence: missense variant. On other transcripts: non-coding transcript variant (1).
Genome position (GRCh38, 1-based): chr19:50,416,520, T>C. VCF-style: chr19-50416520-T-C. GRCh37 (hg19) VCF-style: chr19-50919777-T-C.
Other names: c.2945T>C, p.Val982Ala (NM_001256849.1); c.3023T>C, p.Val1008Ala (NM_001308632.1); c.2945T>C (NM_002691.2); short protein forms V1008A, V982A.
Identifiers: ClinVar variation 1719655 (VCV001719655.7), dbSNP rs2122492647, ClinGen allele CA406986690.